The following is an entry in ClinVar:

NM_197968.4(ZMYM2):c.1450C>G (p.Leu484Val)

Gene: ZMYM2 (zinc finger MYM-type containing 2; plus strand). Cytogenetic location: 13q12.11.
Variant type: single nucleotide variant.
Coding change: c.1450C>G on transcript NM_197968.4 (MANE Select); coding-DNA position 1450, C replaced by G.
Protein change: p.Leu484Val; replaces leucine 484 with valine.
Molecular consequence: missense variant. On other transcripts: non-coding transcript variant (1).
Genome position (GRCh38, 1-based): chr13:20,006,524, C>G. VCF-style: chr13-20006524-C-G. GRCh37 (hg19) VCF-style: chr13-20580664-C-G.
Other names: c.1450C>G, p.Leu484Val (NM_001190964.4, NM_001190965.4, NM_001353157.2 and 5 more transcripts); c.1255C>G, p.Leu419Val (NM_001353161.3); c.1189C>G, p.Leu397Val (NM_001353163.2); short protein forms L419V, L484V, L397V.
Identifiers: ClinVar variation 5002838 (VCV005002838.1).

ClinVar aggregate classification (germline): Uncertain significance (1 of 4 stars; one submission).

Conditions:
Neurodevelopmental-craniofacial syndrome with variable renal and cardiac abnormalities. Identifiers: MedGen C5561984, MONDO:0859190, OMIM 619522.

Submission:

OLLIN Analises Genomicas, OLLIN
Classification: Uncertain significance for Neurodevelopmental-craniofacial syndrome with variable renal and cardiac abnormalities. Last evaluated: 2026-08-06. Review status: criteria provided, single submitter. Criteria: ACMG Guidelines 2015 PMID 25741868. Collection method: clinical testing. Allele origin: germline. Inheritance: Autosomal dominant inheritance.
Comment: This missense variant, located in exon 6 (of 25), is absent from gnomAD and ClinVar and has not been identified in the literature. In silico analysis predicts that this variant has a tolerated effect. According to the currently available evidence, this variant has been classified as uncertain significance (PM2_P, BP4).